The following is an entry in ClinVar:

ClinVar aggregate classification (germline): Uncertain significance. Review status: criteria provided, multiple submitters, no conflicts (2 of 4 stars). 5 submissions from 5 submitters: Uncertain significance (5). Last evaluated 2026-02-17.

Conditions:
Hereditary cancer-predisposing syndrome. Also called: Neoplastic Syndromes, Hereditary; Tumor predisposition; Hereditary neoplastic syndrome; Hereditary Cancer Syndrome. Identifiers: Orphanet 140162, MedGen C0027672, MeSH D009386, MONDO:0015356.
Breast-ovarian cancer, familial, susceptibility to, 4. Identifiers: Orphanet 145, MedGen C3280345, MONDO:0013669, OMIM 614291.

gnomAD v4.1: 1 of 1,612,322 alleles (0.000062%); highest among the groups gnomAD compares: Non-Finnish European, 0.000085%; no homozygotes.

Submissions (5):

Ambry Genetics
Classification: Uncertain significance for Hereditary cancer-predisposing syndrome. Last evaluated: 2026-02-17. Review status: criteria provided, single submitter. Criteria: Ambry Variant Classification Scheme 2023. Collection method: clinical testing. Allele origin: germline.
Comment: The c.26G>T (p.C9F) alteration is located in exon 1 (coding exon 1) of the RAD51D gene. This alteration results from a G to T substitution at nucleotide position 26, causing the cysteine (C) at amino acid position 9 to be replaced by a phenylalanine (F). Based on data from gnomAD, the T allele has an overall frequency of 0.003% (1/31360) total alleles studied. The highest observed frequency was 0.007% (1/15404) of European (non-Finnish) alleles. Based on insufficient or conflicting evidence, the clinical significance of this alteration remains unclear.

Labcorp Genetics (formerly Invitae), Labcorp
Classification: Uncertain significance for Breast-ovarian cancer, familial, susceptibility to, 4. Last evaluated: 2025-11-17. Review status: criteria provided, single submitter. Criteria: Invitae Variant Classification Sherloc (09022015). Collection method: clinical testing. Allele origin: germline.
Comment: This sequence change replaces cysteine, which is neutral and slightly polar, with phenylalanine, which is neutral and non-polar, at codon 9 of the RAD51D protein (p.Cys9Phe). This variant is present in population databases (no rsID available, gnomAD 0.007%). This variant has not been reported in the literature in individuals affected with RAD51D-related conditions. ClinVar contains an entry for this variant (Variation ID: 472595). An algorithm developed to predict the effect of missense changes on protein structure and function (PolyPhen-2) suggests that this variant is likely to be disruptive. In summary, the available evidence is currently insufficient to determine the role of this variant in disease. Therefore, it has been classified as a Variant of Uncertain Significance.

Color Diagnostics, LLC DBA Color Health
Classification: Uncertain significance for Hereditary cancer-predisposing syndrome. Last evaluated: 2025-05-07. Review status: criteria provided, single submitter. Criteria: ACMG Guidelines, 2015. Collection method: clinical testing. Allele origin: germline.
Comment: This missense variant replaces cysteine with phenylalanine at codon 9 of the RAD51D protein. Computational prediction suggests that this variant may not impact protein structure and function. To our knowledge, functional studies have not been reported for this variant. This variant has not been reported in individuals affected with RAD51D-related disorders in the literature. This variant has been identified in 1/31360 chromosomes in the general population by the Genome Aggregation Database (gnomAD). The available evidence is insufficient to determine the role of this variant in disease conclusively. Therefore, this variant is classified as a Variant of Uncertain Significance.

Baylor Genetics
Classification: Uncertain significance for Breast-ovarian cancer, familial, susceptibility to, 4. Last evaluated: 2024-01-24. Review status: criteria provided, single submitter. Criteria: ACMG Guidelines, 2015. Collection method: clinical testing. Allele origin: unknown.

GeneDx
Classification: Uncertain significance. Last evaluated: 2023-12-28. Review status: criteria provided, single submitter. Criteria: GeneDx Variant Classification Process June 2021. Collection method: clinical testing. Allele origin: germline. Affected: yes.
Comment: Not observed at significant frequency in large population cohorts (gnomAD); In silico analysis supports that this missense variant has a deleterious effect on protein structure/function; Identified in an individual undergoing hereditary cancer genetic counseling (PMID: 36977404); This variant is associated with the following publications: (PMID: 21822264, 36977404, 21111057, 36243179)

NM_002878.4(RAD51D):c.26G>T (p.Cys9Phe)

Genes: RAD51D (RAD51 paralog D; minus strand), RAD51L3-RFFL (RAD51L3-RFFL readthrough; minus strand). Cytogenetic location: 17q12.
Variant type: single nucleotide variant.
Coding change: c.26G>T on transcript NM_002878.4 (MANE Select); coding-DNA position 26, G replaced by T.
Protein change: p.Cys9Phe; replaces cysteine 9 with phenylalanine.
Molecular consequence: missense variant. On other transcripts: non-coding transcript variant (2).
Genome position (GRCh38, 1-based): chr17:35,119,588, C>A on the plus strand (G>T on the coding strand, the complement: RAD51D is on the minus strand). VCF-style: chr17-35119588-C-A. GRCh37 (hg19) VCF-style: chr17-33446607-C-A.
Other names: c.26G>T, p.Cys9Phe (NM_001142571.2, NM_133629.3); short protein forms C9F.
Identifiers: ClinVar variation 472595 (VCV000472595.20), dbSNP rs140825795, ClinGen allele CA399092517.